The following is an entry in ClinVar:

ClinVar aggregate classification (germline): Benign (0 of 4 stars; one submission).

Conditions:
GNB1L-related disorder. Also called: GNB1L-related condition.

Allele frequency attached by ClinVar (database versions not stated): ESP Exome Variant Server 0.08775; gnomAD 0.11930; TOPMed 0.12690; 1000 Genomes Project 30x 0.20331; 1000 Genomes Project 0.20607; ExAC 0.26973.
gnomAD v4.1: 211,452 of 1,593,300 alleles (13%); highest among the groups gnomAD compares: East Asian, 50%; 19,065 homozygotes.

Submission:

PreventionGenetics, part of Exact Sciences
Classification: Benign for GNB1L-related condition. Last evaluated: 2019-10-21. Review status: no assertion criteria provided. Collection method: clinical testing. Allele origin: germline.
Comment: This variant is classified as benign based on ACMG/AMP sequence variant interpretation guidelines (Richards et al. 2015 PMID: 25741868, with internal and published modifications).

NM_053004.3(GNB1L):c.715T>G (p.Trp239Gly)

Gene: GNB1L (G protein subunit beta 1 like; minus strand). Cytogenetic location: 22q11.21.
Variant type: single nucleotide variant.
Coding change: c.715T>G on transcript NM_053004.3 (MANE Select); coding-DNA position 715, T replaced by G.
Protein change: p.Trp239Gly; replaces tryptophan 239 with glycine.
Molecular consequence: missense variant.
Genome position (GRCh38, 1-based): chr22:19,802,018, A>C on the plus strand (T>G on the coding strand, the complement: GNB1L is on the minus strand). VCF-style: chr22-19802018-A-C. GRCh37 (hg19) VCF-style: chr22-19789541-A-C.
Other names: short protein forms W239G.
Identifiers: ClinVar variation 3060781 (VCV003060781.2), dbSNP rs2073770, ClinGen allele CA10103035.